The following is an entry in ClinVar:

NM_000318.3(PEX2):c.614T>G (p.Ile205Ser)

Gene: PEX2 (peroxisomal biogenesis factor 2; minus strand). Cytogenetic location: 8q21.13.
Variant type: single nucleotide variant.
Coding change: c.614T>G on transcript NM_000318.3 (MANE Select); coding-DNA position 614, T replaced by G.
Protein change: p.Ile205Ser; replaces isoleucine 205 with serine.
Molecular consequence: missense variant.
Genome position (GRCh38, 1-based): chr8:76,983,565, A>C on the plus strand (T>G on the coding strand, the complement: PEX2 is on the minus strand). VCF-style: chr8-76983565-A-C. GRCh37 (hg19) VCF-style: chr8-77895801-A-C.
Other names: c.614T>G, p.Ile205Ser (NM_001079867.2, NM_001172086.2, NM_001172087.2); short protein forms I205S.
Identifiers: ClinVar variation 1974574 (VCV001974574.5), dbSNP rs2487451193, ClinGen allele CA371556952.
Genomic context (GRCh38, chr8:76,983,565, plus strand): 5'-ATACACCATGAAGACAGCTTGGCTTTCAACTTCTGGACATTGATAAGTGGTAAGAGAAAA[A>C]TCAGAAATTCAGCAAAACCATGCCAGAGAAGTTCCCTATTCATGTATTCAAAGCCAACTT-3'
Protein context (NP_000309.2, residues 195-215): LLWHGFAEFL[Ile205Ser]FLLPLINVQK

ClinVar aggregate classification (germline): Uncertain significance (1 of 4 stars; one submission).

Conditions:
Peroxisome biogenesis disorder 5A (Zellweger) (PBD5A). Identifiers: Orphanet 912, MedGen C3553940, MONDO:0013932, OMIM 614866.

Submission:

Labcorp Genetics (formerly Invitae), Labcorp
Classification: Uncertain significance for Peroxisome biogenesis disorder 5A (Zellweger). Last evaluated: 2022-07-30. Review status: criteria provided, single submitter. Criteria: Invitae Variant Classification Sherloc (09022015). Collection method: clinical testing. Allele origin: germline.
Comment: Algorithms developed to predict the effect of missense changes on protein structure and function are either unavailable or do not agree on the potential impact of this missense change (SIFT: "Deleterious"; PolyPhen-2: "Benign"; Align-GVGD: "Class C0"). This sequence change replaces isoleucine, which is neutral and non-polar, with serine, which is neutral and polar, at codon 205 of the PEX2 protein (p.Ile205Ser). This variant is not present in population databases (gnomAD no frequency). This variant has not been reported in the literature in individuals affected with PEX2-related conditions. In summary, the available evidence is currently insufficient to determine the role of this variant in disease. Therefore, it has been classified as a Variant of Uncertain Significance.